The following is an entry in ClinVar:

ClinVar aggregate classification (germline): Likely pathogenic (1 of 4 stars; one submission).

gnomAD v4.1: 14 of 1,613,656 alleles (0.00087%); highest among the groups gnomAD compares: Non-Finnish European, 0.0011%; no homozygotes.

Submission:

GeneDx
Classification: Likely pathogenic. Last evaluated: 2026-10-14. Review status: criteria provided, single submitter. Criteria: GeneDx Variant Classification Process June 2021. Collection method: clinical testing. Allele origin: germline.
Comment: Has not been previously published as pathogenic or benign to our knowledge; In silico analysis supports that this missense variant has a deleterious effect on protein structure/function; Not observed at significant frequency in large population cohorts (gnomAD)

NM_003235.5(TG):c.6841T>A (p.Cys2281Ser)

Gene: TG (thyroglobulin; plus strand). Cytogenetic location: 8q24.22.
Variant type: single nucleotide variant.
Coding change: c.6841T>A on transcript NM_003235.5 (MANE Select); coding-DNA position 6841, T replaced by A.
Protein change: p.Cys2281Ser; replaces cysteine 2281 with serine.
Molecular consequence: missense variant.
Genome position (GRCh38, 1-based): chr8:133,019,660, T>A. VCF-style: chr8-133019660-T-A. GRCh37 (hg19) VCF-style: chr8-134031905-T-A.
Other names: short protein forms C2281S.
Identifiers: ClinVar variation 4538626 (VCV004538626.2).
Genomic context (GRCh38, chr8:133,019,660, plus strand): 5'-AGGGCCAGCTGCTGGCAGCCAGGCACCAGAACATCCACGTCTCCTGGAGTCAGTGAAGAT[T>A]GTTTGTATCTCAATGTGTTCATCCCTCAGAATGTGGTGAGTTCAAAAGCACTTGCTATGG-3'
Protein context (NP_003226.4, residues 2271-2291): TSTSPGVSED[Cys2281Ser]LYLNVFIPQN